The following is an entry in ClinVar:

ClinVar aggregate classification (germline): Uncertain significance. Review status: criteria provided, multiple submitters, no conflicts (2 of 4 stars). 2 submissions from 2 submitters: Uncertain significance (2). Last evaluated 2025-09-12.

Conditions:
Gastrointestinal stromal tumor. Also called: Gastrointestinal stromal tumor, somatic; Gastrointestinal stroma tumor. Identifiers: Orphanet 44890, MedGen C0238198, MeSH D046152, MONDO:0011719, OMIM 606764, HP:0100723.
Hereditary cancer-predisposing syndrome. Also called: Neoplastic Syndromes, Hereditary; Tumor predisposition; Hereditary Cancer Syndrome; Hereditary neoplastic syndrome. Identifiers: Orphanet 140162, MedGen C0027672, MeSH D009386, MONDO:0015356.

Submissions (2):

Ambry Genetics
Classification: Uncertain significance for Hereditary cancer-predisposing syndrome. Last evaluated: 2025-09-12. Review status: criteria provided, single submitter. Criteria: Ambry Variant Classification Scheme 2023. Collection method: clinical testing. Allele origin: germline.
Comment: The p.V242E variant (also known as c.725T>A), located in coding exon 4 of the PDGFRA gene, results from a T to A substitution at nucleotide position 725. The valine at codon 242 is replaced by glutamic acid, an amino acid with dissimilar properties. This amino acid position is conserved. In addition, the in silico prediction for this alteration is inconclusive. Based on the available evidence, the clinical significance of this variant remains unclear.

Labcorp Genetics (formerly Invitae), Labcorp
Classification: Uncertain significance for Gastrointestinal stromal tumor. Last evaluated: 2025-04-16. Review status: criteria provided, single submitter. Criteria: Invitae Variant Classification Sherloc (09022015). Collection method: clinical testing. Allele origin: germline.
Comment: This sequence change replaces valine, which is neutral and non-polar, with glutamic acid, which is acidic and polar, at codon 242 of the PDGFRA protein (p.Val242Glu). This variant is not present in population databases (gnomAD no frequency). This variant has not been reported in the literature in individuals affected with PDGFRA-related conditions. Invitae Evidence Modeling of protein sequence and biophysical properties (such as structural, functional, and spatial information, amino acid conservation, physicochemical variation, residue mobility, and thermodynamic stability) indicates that this missense variant is not expected to disrupt PDGFRA protein function with a negative predictive value of 80%. In summary, the available evidence is currently insufficient to determine the role of this variant in disease. Therefore, it has been classified as a Variant of Uncertain Significance.

NM_006206.6(PDGFRA):c.725T>A (p.Val242Glu)

Gene: PDGFRA (platelet derived growth factor receptor alpha; plus strand). Cytogenetic location: 4q12.
Variant type: single nucleotide variant.
Coding change: c.725T>A on transcript NM_006206.6 (MANE Select); coding-DNA position 725, T replaced by A.
Protein change: p.Val242Glu; replaces valine 242 with glutamic acid.
Molecular consequence: missense variant.
Genome position (GRCh38, 1-based): chr4:54,265,015, T>A. VCF-style: chr4-54265015-T-A. GRCh37 (hg19) VCF-style: chr4-55131182-T-A.
Other names: c.725T>A, p.Val242Glu (NM_001347827.2, NM_001347829.2); c.800T>A, p.Val267Glu (NM_001347828.2); c.764T>A, p.Val255Glu (NM_001347830.2); short protein forms V242E, V255E, V267E.
Identifiers: ClinVar variation 4134020 (VCV004134020.2).